The following is an entry in ClinVar:

NM_005219.5(DIAPH1):c.3149-2_3149-1del

Gene: DIAPH1 (diaphanous related formin 1; minus strand). Cytogenetic location: 5q31.3.
Variant type: Deletion.
Coding change: c.3149-2_3149-1del on transcript NM_005219.5 (MANE Select); the canonical splice acceptor site of the intron before coding-DNA position 3149, 2 bases deleted (AG; older notation c.3149-2_3149-1delAG).
Molecular consequence: splice acceptor variant.
Genome position (GRCh38, 1-based): chr5:141,527,698-141,527,699, CT deleted on the plus strand (AG on the coding strand, the reverse complement: DIAPH1 is on the minus strand). VCF-style (leftmost placement, unchanged base first): chr5-141527697-ACT-A. GRCh37 (hg19) VCF-style: chr5-140907264-ACT-A.
Other names: NC_000005.9:g.140907265_140907266del; c.3122-2_3122-1del (NM_001079812.3); c.3149-2_3149-1del (NM_001314007.2).
Identifiers: ClinVar variation 4289028 (VCV004289028.2).
Genomic context (GRCh38, chr5:141,527,697, plus strand): 5'-TCCACATCAGAAATTTGTTTCTTCATCTGATCTAGGTTCTTTTGCAAGTTTTCAGCAGAA[ACT>A]AAAAAAAAAAAAAAAAAAAAAAACCATAAAAACAGACAGCAAGAGCTTACTAATAATCCC-3'

ClinVar aggregate classification (germline): Likely pathogenic (1 of 4 stars; one submission).

Conditions:
Primary ciliary dyskinesia. Also called: Ciliary dyskinesia. Identifiers: Orphanet 244, MedGen C0008780, MONDO:0016575, HP:0012265.

Submissions (2):

Department of Human Genetics, Hannover Medical School
Classification: Likely pathogenic for Primary Ciliary Dyskinesia. Last evaluated: 2026-04-01. Review status: criteria provided, single submitter. Criteria: ACMG Guidelines, 2015. Collection method: research. Allele origin: germline. Affected: no.
Comment: Classification performed by HerediClassify using the following criteria:['PM2_supporting: Variant occures does not occur as homozygous in gnomAD.', 'PVS1_splicing_very_strong: Transcript ENST00000389054 undergoes NMD.']

Dr. Peter K. Rogan Lab, Western University
No classification provided (evidence only). Condition: Hepatocellular carcinoma. Review status: no classification provided. Collection method: in vitro. Allele origin: not applicable. Functional consequence: retained intron. Not counted in ClinVar's aggregate classification.